The following is an entry in ClinVar:

NM_004655.4(AXIN2):c.12T>C (p.Ala4=)

Gene: AXIN2 (axin 2; minus strand). Cytogenetic location: 17q24.1.
Variant type: single nucleotide variant.
Coding change: c.12T>C on transcript NM_004655.4 (MANE Select); coding-DNA position 12, T replaced by C.
Protein change: p.Ala4=; no amino-acid change (alanine 4 retained).
Molecular consequence: synonymous variant.
Genome position (GRCh38, 1-based): chr17:65,558,609, A>G on the plus strand (T>C on the coding strand, the complement: AXIN2 is on the minus strand). VCF-style: chr17-65558609-A-G. GRCh37 (hg19) VCF-style: chr17-63554727-A-G.
Other names: c.12T>C, p.Ala4= (NM_001363813.1).
Identifiers: ClinVar variation 796359 (VCV000796359.9), dbSNP rs1598120479, ClinGen allele CA501691770.

ClinVar aggregate classification (germline): Benign/Likely benign. Review status: criteria provided, multiple submitters, no conflicts (2 of 4 stars). 2 submissions from 2 submitters: Benign (1); Likely benign (1). Last evaluated 2025-11-03.

Conditions:
Oligodontia-cancer predisposition syndrome. Also called: TOOTH AGENESIS-COLORECTAL CANCER SYNDROME. Identifiers: Orphanet 300576, MedGen C1837750, MONDO:0012075, OMIM 608615. Disease mechanism: loss of function.

Submissions (2):

Labcorp Genetics (formerly Invitae), Labcorp
Classification: Likely benign for Oligodontia-cancer predisposition syndrome. Last evaluated: 2025-11-03. Review status: criteria provided, single submitter. Criteria: Invitae Variant Classification Sherloc (09022015). Collection method: clinical testing. Allele origin: germline.

Myriad Genetics, Inc.
Classification: Benign for Oligodontia-cancer predisposition syndrome. Last evaluated: 2024-06-25. Review status: criteria provided, single submitter. Criteria: Myriad Autosomal Dominant, Autosomal Recessive and X-Linked Classification Criteria (2023). Collection method: clinical testing. Allele origin: unknown.
Comment: This variant is considered benign. This variant is a silent/synonymous amino acid change and it is not expected to impact splicing.